The following is an entry in ClinVar:

ClinVar aggregate classification (germline): Uncertain significance. Review status: criteria provided, multiple submitters, no conflicts (2 of 4 stars). 2 submissions from 2 submitters: Uncertain significance (2). Last evaluated 2023-07-28.

Conditions:
Spastic paraplegia. Identifiers: MedGen C0037772, HP:0001258.

Allele frequency attached by ClinVar (database versions not stated): ExAC 0.00010; 1000 Genomes Project 30x 0.00031; ESP Exome Variant Server 0.00031; 1000 Genomes Project 0.00040; gnomAD 0.00050; TOPMed 0.00051.
gnomAD v4.1: 148 of 1,608,562 alleles (0.0092%); highest among the groups gnomAD compares: African/African-American, 0.18%; no homozygotes.

Submissions (2):

Labcorp Genetics (formerly Invitae), Labcorp
Classification: Uncertain significance for Spastic paraplegia. Last evaluated: 2023-07-28. Review status: criteria provided, single submitter. Criteria: Invitae Variant Classification Sherloc (09022015). Collection method: clinical testing. Allele origin: germline.
Comment: In summary, the available evidence is currently insufficient to determine the role of this variant in disease. Therefore, it has been classified as a Variant of Uncertain Significance. Advanced modeling of protein sequence and biophysical properties (such as structural, functional, and spatial information, amino acid conservation, physicochemical variation, residue mobility, and thermodynamic stability) performed at Invitae indicates that this missense variant is not expected to disrupt ARSI protein function. ClinVar contains an entry for this variant (Variation ID: 1980401). This variant has not been reported in the literature in individuals affected with ARSI-related conditions. This variant is present in population databases (rs140656147, gnomAD 0.2%), and has an allele count higher than expected for a pathogenic variant. This sequence change replaces glycine, which is neutral and non-polar, with valine, which is neutral and non-polar, at codon 367 of the ARSI protein (p.Gly367Val).

Ambry Genetics
Classification: Uncertain significance. Last evaluated: 2022-08-04. Review status: criteria provided, single submitter. Criteria: Ambry Variant Classification Scheme 2023. Collection method: clinical testing. Allele origin: germline.

NM_001012301.4(ARSI):c.1100G>T (p.Gly367Val)

Gene: ARSI (arylsulfatase family member I; minus strand). Cytogenetic location: 5q32.
Variant type: single nucleotide variant.
Coding change: c.1100G>T on transcript NM_001012301.4 (MANE Select); coding-DNA position 1100, G replaced by T.
Protein change: p.Gly367Val; replaces glycine 367 with valine.
Molecular consequence: missense variant.
Genome position (GRCh38, 1-based): chr5:150,297,824, C>A on the plus strand (G>T on the coding strand, the complement: ARSI is on the minus strand). VCF-style: chr5-150297824-C-A. GRCh37 (hg19) VCF-style: chr5-149677387-C-A.
Other names: short protein forms G367V.
Identifiers: ClinVar variation 1980401 (VCV001980401.5), dbSNP rs140656147, ClinGen allele CA3510167.
Genomic context (GRCh38, chr5:150,297,824, plus strand): 5'-TCCGTGCGTGGTGAGGCCCGGCCCTCGCTGATGGCCGGCCACACGTCGTAGCCATCTAGC[C>A]CATCGGCTGCTGAGGTGGTACCACCTGCCAGACCCACCAGGGTCGGGTACCAGTCAGTGA-3'
Protein context (NP_001012301.1, residues 357-377): LAGGTTSAAD[Gly367Val]LDGYDVWPAI